The following is an entry in ClinVar:

ClinVar aggregate classification (germline): Uncertain significance (1 of 4 stars; one submission).

Conditions:
Hermansky-Pudlak syndrome 9 (HPS9). Identifiers: Orphanet 280663, Orphanet 79430, MedGen C3280026, MONDO:0013606, OMIM 614171.

Allele frequency attached by ClinVar (database versions not stated): gnomAD exomes below 0.00001.
gnomAD v4.1: 3 of 1,611,252 alleles (0.00019%); highest among the groups gnomAD compares: Non-Finnish European, 0.00017%; no homozygotes.

Submission:

Labcorp Genetics (formerly Invitae), Labcorp
Classification: Uncertain significance for Hermansky-Pudlak syndrome 9. Last evaluated: 2024-08-05. Review status: criteria provided, single submitter. Criteria: Invitae Variant Classification Sherloc (09022015). Collection method: clinical testing. Allele origin: germline.
Comment: This sequence change replaces serine, which is neutral and polar, with leucine, which is neutral and non-polar, at codon 90 of the BLOC1S6 protein (p.Ser90Leu). This variant is not present in population databases (gnomAD no frequency). This variant has not been reported in the literature in individuals affected with BLOC1S6-related conditions. ClinVar contains an entry for this variant (Variation ID: 1415434). An algorithm developed to predict the effect of missense changes on protein structure and function (PolyPhen-2) suggests that this variant is likely to be disruptive. In summary, the available evidence is currently insufficient to determine the role of this variant in disease. Therefore, it has been classified as a Variant of Uncertain Significance.

NM_012388.4(BLOC1S6):c.269C>T (p.Ser90Leu)

Gene: BLOC1S6 (biogenesis of lysosomal organelles complex 1 subunit 6; plus strand). Cytogenetic location: 15q21.1.
Variant type: single nucleotide variant.
Coding change: c.269C>T on transcript NM_012388.4 (MANE Select); coding-DNA position 269, C replaced by T.
Protein change: p.Ser90Leu; replaces serine 90 with leucine.
Molecular consequence: missense variant. On other transcripts: non-coding transcript variant (6), intron variant (1).
Genome position (GRCh38, 1-based): chr15:45,603,144, C>T. VCF-style: chr15-45603144-C-T. GRCh37 (hg19) VCF-style: chr15-45895342-C-T.
Other names: c.284C>T, p.Ser95Leu (NM_001311255.1); c.240-2284C>T (NM_001311256.1); short protein forms S90L, S95L.
Identifiers: ClinVar variation 1415434 (VCV001415434.6), dbSNP rs1894328541, ClinGen allele CA392300406.